The following is an entry in ClinVar:

ClinVar aggregate classification (germline): Conflicting classifications of pathogenicity. Review status: criteria provided, conflicting classifications (1 of 4 stars). 3 submissions from 3 submitters: Uncertain significance (1); Likely benign (2). Last evaluated 2025-05-12.

Allele frequency attached by ClinVar (database versions not stated): gnomAD exomes below 0.00001 and 0.00002; TOPMed below 0.00001; ExAC 0.00001; gnomAD 0.00010 and 0.00011.
gnomAD v4.1: 36 of 1,607,522 alleles (0.0022%); highest among the groups gnomAD compares: Non-Finnish European, 0.0031%; no homozygotes.

Submissions (3):

Labcorp Genetics (formerly Invitae), Labcorp
Classification: Uncertain significance. Last evaluated: 2025-05-12. Review status: criteria provided, single submitter. Criteria: Invitae Variant Classification Sherloc (09022015). Collection method: clinical testing. Allele origin: germline.
Comment: This sequence change falls in intron 2 of the MDH2 gene. It does not directly change the encoded amino acid sequence of the MDH2 protein. It affects a nucleotide within the consensus splice site. The frequency data for this variant in the population databases is considered unreliable, as metrics indicate poor data quality at this position in the gnomAD database. This variant has not been reported in the literature in individuals affected with MDH2-related conditions. ClinVar contains an entry for this variant (Variation ID: 1376811). Variants that disrupt the consensus splice site are a relatively common cause of aberrant splicing (PMID: 17576681, 9536098). Algorithms developed to predict the effect of sequence changes on RNA splicing suggest that this variant is not likely to affect RNA splicing. In summary, the available evidence is currently insufficient to determine the role of this variant in disease. Therefore, it has been classified as a Variant of Uncertain Significance.

Laboratory of Genetics, Children's Clinical University Hospital Latvia
Classification: Likely benign. Last evaluated: 2025-02-16. Review status: criteria provided, single submitter. Criteria: ACMG Guidelines, 2015. Collection method: clinical testing. Allele origin: germline. Affected: yes.

Blueprint Genetics
Classification: Likely benign. Last evaluated: 2021-08-06. Review status: criteria provided, single submitter. Criteria: ACMG Guidelines, 2015. Collection method: clinical testing. Allele origin: germline.

Literature cited by the submitters: PubMed 17576681 (cited by Labcorp Genetics (formerly Invitae), Labcorp); PubMed 9536098 (cited by Labcorp Genetics (formerly Invitae), Labcorp).

NM_005918.4(MDH2):c.235+6G>A

Gene: MDH2 (malate dehydrogenase 2; plus strand). Cytogenetic location: 7q11.23.
Variant type: single nucleotide variant.
Coding change: c.235+6G>A on transcript NM_005918.4 (MANE Select); 6 bases into the intron after coding-DNA position 235, G replaced by A.
Molecular consequence: intron variant.
Genome position (GRCh38, 1-based): chr7:76,055,004, G>A. VCF-style: chr7-76055004-G-A. GRCh37 (hg19) VCF-style: chr7-75684322-G-A.
Other names: c.235+6G>A (NM_001282403.2); c.-86-2406G>A (NM_001282404.2).
Identifiers: ClinVar variation 1376811 (VCV001376811.8), dbSNP rs782756337, ClinGen allele CA4305451.